The following is an entry in ClinVar:

ClinVar aggregate classification (germline): Likely benign (1 of 4 stars; one submission).

Conditions:
JPH2-related disorder. Also called: JPH2-related condition.

gnomAD v4.1: 97 of 1,030,794 alleles (0.0094%); highest among the groups gnomAD compares: South Asian, 0.12%; 1 homozygote.

Submission:

PreventionGenetics, part of Exact Sciences
Classification: Likely benign for JPH2-related condition. Last evaluated: 2025-08-18. Review status: criteria provided, single submitter. Criteria: ACMG Guidelines, 2015. Collection method: clinical testing. Allele origin: germline.
Comment: This variant is classified as likely benign based on ACMG/AMP sequence variant interpretation guidelines (Richards et al. 2015 PMID: 25741868, with internal and published modifications).

NM_020433.5(JPH2):c.379+8348C>G

Gene: JPH2 (junctophilin 2; minus strand). Cytogenetic location: 20q13.12.
Variant type: single nucleotide variant.
Coding change: c.379+8348C>G on transcript NM_020433.5 (MANE Select); 8348 bases into the intron after coding-DNA position 379, C replaced by G.
Molecular consequence: intron variant.
Genome position (GRCh38, 1-based): chr20:44,177,979, G>C on the plus strand (C>G on the coding strand, the complement: JPH2 is on the minus strand). VCF-style: chr20-44177979-G-C. GRCh37 (hg19) VCF-style: chr20-42806619-G-C.
Other names: c.380-7C>G (NM_175913.4).
Identifiers: ClinVar variation 4986295 (VCV004986295.1).